The following is an entry in ClinVar:

NM_015102.5(NPHP4):c.2653A>C (p.Ser885Arg)

Gene: NPHP4 (nephrocystin 4; minus strand). Cytogenetic location: 1p36.31.
Variant type: single nucleotide variant.
Coding change: c.2653A>C on transcript NM_015102.5 (MANE Select); coding-DNA position 2653, A replaced by C.
Protein change: p.Ser885Arg; replaces serine 885 with arginine.
Molecular consequence: missense variant. On other transcripts: non-coding transcript variant (1).
Genome position (GRCh38, 1-based): chr1:5,877,257, T>G on the plus strand (A>C on the coding strand, the complement: NPHP4 is on the minus strand). VCF-style: chr1-5877257-T-G. GRCh37 (hg19) VCF-style: chr1-5937317-T-G.
Other names: c.1114A>C, p.Ser372Arg (NM_001291593.2); c.1117A>C, p.Ser373Arg (NM_001291594.2); c.2653A>C (NM_015102.3); short protein forms S885R, S372R, S373R.
Identifiers: ClinVar variation 291103 (VCV000291103.23), dbSNP rs112206586, ClinGen allele CA553978.
Genomic context (GRCh38, chr1:5,877,257, plus strand): 5'-TGACGTCCTGGGGCCCCTTGCCCTGCCGGGCATGGGTCAGTAGCATGGCAGCCAGCTCAC[T>G]GTCCACGTCCGCCAGCTTCTGTGCTTGCACCACGTGTTTTCCTGCGAAAGGGTCAGAGCG-3'
Protein context (NP_055917.1, residues 875-895): VQAQKLADVD[Ser885Arg]ELAAMLLTHA

ClinVar aggregate classification (germline): Conflicting classifications of pathogenicity. Review status: criteria provided, conflicting classifications (1 of 4 stars). 8 submissions from 8 submitters: Uncertain significance (5); Likely benign (2). 1 of the submissions does not count toward it. Last evaluated 2026-01-26.

Conditions:
NPHP4-related disorder. Also called: NPHP4-related disorders; NPHP4-related condition. Identifiers: MedGen CN239384.
Inborn genetic diseases. Identifiers: MedGen C0950123, MeSH D030342.
Senior-Loken syndrome 4 (SLSN4). Identifiers: Orphanet 3156, MedGen C1846979, MONDO:0011756, OMIM 606996.
Nephronophthisis 4 (NPHP4). Also called: NEPHRONOPHTHISIS 4, JUVENILE. Identifiers: Orphanet 655, MedGen C1847013, MONDO:0011752, OMIM 606966.
Nephronophthisis. Also called: Juvenile Nephronophthisis. Identifiers: Orphanet 655, MedGen C0687120, MONDO:0019005, HP:0000090.

Allele frequency attached by ClinVar (database versions not stated): 1000 Genomes Project 30x 0.00016; 1000 Genomes Project 0.00020; ExAC 0.00026; ESP Exome Variant Server 0.00055; TOPMed 0.00096; gnomAD 0.00098 and 0.00102.
gnomAD v4.1: 272 of 1,606,294 alleles (0.017%); highest among the groups gnomAD compares: African/African-American, 0.31%; 2 homozygotes.

Submissions (8):

Labcorp Genetics (formerly Invitae), Labcorp
Classification: Likely benign for Nephronophthisis. Last evaluated: 2026-01-26. Review status: criteria provided, single submitter. Criteria: Invitae Variant Classification Sherloc (09022015). Collection method: clinical testing. Allele origin: germline.

Ambry Genetics
Classification: Uncertain significance for Inborn genetic diseases. Last evaluated: 2024-10-21. Review status: criteria provided, single submitter. Criteria: Ambry Variant Classification Scheme 2023. Collection method: clinical testing. Allele origin: germline.

Blueprint Genetics
Classification: Likely benign. Last evaluated: 2024-07-19. Review status: criteria provided, single submitter. Criteria: ACMG Guidelines, 2015. Collection method: clinical testing. Allele origin: germline.

Daryl Scott Lab, Baylor College of Medicine
Classification: Uncertain significance for NPHP4-related disorder. Last evaluated: 2024-01-01. Review status: criteria provided, single submitter. Criteria: ACMG Guidelines, 2015. Collection method: clinical testing. Allele origin: maternal. Observed: 1 heterozygote.
Comment: BS2

Genetic Services Laboratory, University of Chicago
Classification: Uncertain significance. Last evaluated: 2023-07-05. Review status: criteria provided, single submitter. Criteria: ACMG Guidelines, 2015. Collection method: clinical testing. Allele origin: germline. Affected: no.
Comment: DNA sequence analysis of the NPHP4 gene demonstrated a sequence change, c.2653A>C, in exon 20 that results in an amino acid change, p.Ser885Arg. This sequence change has been described in the gnomAD database with a frequency of 0.36% in the African/African American subpopulation (dbSNP rs112206586). The p.Ser885Arg change affects a moderately conserved amino acid residue located in a domain of the NPHP4 protein that is not known to be functional. The p.Ser885Arg substitution appears to be benign using several in-silico pathogenicity prediction tools (SIFT, PolyPhen2, Align GVGD, REVEL). This sequence change does not appear to have been previously described in individuals with NPHP4-related disorders. Due to insufficient evidence and the lack of functional studies, the clinical significance of the p.Ser885Arg change remains unknown at this time.

Fulgent Genetics
Classification: Uncertain significance for Nephronophthisis 4; Senior-Loken syndrome 4. Last evaluated: 2018-10-31. Review status: criteria provided, single submitter. Criteria: ACMG Guidelines, 2015. Collection method: clinical testing. Allele origin: unknown.

Eurofins Ntd Llc (ga)
Classification: Uncertain significance. Last evaluated: 2017-09-29. Review status: criteria provided, single submitter. Criteria: EGL Classification Definitions 2015. Collection method: clinical testing. Allele origin: germline. Observed: 5 variant alleles, 5 heterozygotes.

PreventionGenetics, part of Exact Sciences
Classification: Likely benign for NPHP4-related condition. Last evaluated: 2022-04-19. Review status: no assertion criteria provided. Collection method: clinical testing. Allele origin: germline. Not counted in ClinVar's aggregate classification.
Comment: This variant is classified as likely benign based on ACMG/AMP sequence variant interpretation guidelines (Richards et al. 2015 PMID: 25741868, with internal and published modifications).